The following is an entry in ClinVar:

ClinVar aggregate classification (germline): Uncertain significance (1 of 4 stars; one submission).

Conditions:
COG7 congenital disorder of glycosylation (CDG2E). Also called: CONGENITAL DISORDER OF GLYCOSYLATION, TYPE IIe; CDG IIe. Identifiers: Orphanet 79333, MedGen C2931010, MONDO:0012118, OMIM 608779.

Allele frequency attached by ClinVar (database versions not stated): gnomAD exomes below 0.00001.
gnomAD v4.1: 4 of 1,613,036 alleles (0.00025%); highest among the groups gnomAD compares: Non-Finnish European, 0.00025%; no homozygotes.

Submission:

Labcorp Genetics (formerly Invitae), Labcorp
Classification: Uncertain significance for COG7 congenital disorder of glycosylation. Last evaluated: 2021-09-04. Review status: criteria provided, single submitter. Criteria: Invitae Variant Classification Sherloc (09022015). Collection method: clinical testing. Allele origin: germline.
Comment: This sequence change replaces valine with methionine at codon 210 of the COG7 protein (p.Val210Met). The valine residue is highly conserved and there is a small physicochemical difference between valine and methionine. This variant is not present in population databases (ExAC no frequency). This variant has not been reported in the literature in individuals affected with COG7-related conditions. Algorithms developed to predict the effect of missense changes on protein structure and function are either unavailable or do not agree on the potential impact of this missense change (SIFT: "Deleterious"; PolyPhen-2: "Benign"; Align-GVGD: "Class C0"). In summary, the available evidence is currently insufficient to determine the role of this variant in disease. Therefore, it has been classified as a Variant of Uncertain Significance.

NM_153603.4(COG7):c.628G>A (p.Val210Met)

Gene: COG7 (component of oligomeric golgi complex 7; minus strand). Cytogenetic location: 16p12.2.
Variant type: single nucleotide variant.
Coding change: c.628G>A on transcript NM_153603.4 (MANE Select); coding-DNA position 628, G replaced by A.
Protein change: p.Val210Met; replaces valine 210 with methionine.
Molecular consequence: missense variant.
Genome position (GRCh38, 1-based): chr16:23,434,695, C>T on the plus strand (G>A on the coding strand, the complement: COG7 is on the minus strand). VCF-style: chr16-23434695-C-T. GRCh37 (hg19) VCF-style: chr16-23446016-C-T.
Other names: short protein forms V210M.
Identifiers: ClinVar variation 1439173 (VCV001439173.3), dbSNP rs202038832, ClinGen allele CA279482736.
Genomic context (GRCh38, chr16:23,434,695, plus strand): 5'-CCTTGTGACACTTGTAGTAGTAGGCCAGGAGCTGGGGCATCCGGTCAATTTCAGTAAACA[C>T]CTTCACAAACACTTTGGACTGATCTAAAGAACATACAATGTATATATACTGTTACCAGCC-3'
Protein context (NP_705831.1, residues 200-220): AVDQSKVFVK[Val210Met]FTEIDRMPQL